The following is an entry in ClinVar:

NM_182706.5(SCRIB):c.3603+6C>T

Gene: SCRIB (scribble planar cell polarity protein; minus strand). Cytogenetic location: 8q24.3.
Variant type: single nucleotide variant.
Coding change: c.3603+6C>T on transcript NM_182706.5 (MANE Select); 6 bases into the intron after coding-DNA position 3603, C replaced by T.
Molecular consequence: intron variant.
Genome position (GRCh38, 1-based): chr8:143,803,377, G>A on the plus strand (C>T on the coding strand, the complement: SCRIB is on the minus strand). VCF-style: chr8-143803377-G-A. GRCh37 (hg19) VCF-style: chr8-144885547-G-A.
Other names: c.3603+6C>T (NM_015356.5).
Identifiers: ClinVar variation 3049283 (VCV003049283.3), dbSNP rs373673400, ClinGen allele CA4918651.

ClinVar aggregate classification (germline): Likely benign. Review status: criteria provided, single submitter (1 of 4 stars). 2 submissions from 2 submitters: Likely benign (1). 1 of the submissions does not count toward it. Last evaluated 2024-11-13.

Conditions:
SCRIB-related disorder. Also called: SCRIB-related condition.

Allele frequency attached by ClinVar (database versions not stated): 1000 Genomes Project 30x 0.00016; 1000 Genomes Project 0.00020; gnomAD 0.00053; TOPMed 0.00060; ESP Exome Variant Server 0.00062; ExAC 0.00151.
gnomAD v4.1: 1,461 of 1,557,710 alleles (0.094%); highest among the groups gnomAD compares: Middle Eastern, 0.27%; 3 homozygotes.

Submissions (2):

Blueprint Genetics
Classification: Likely benign. Last evaluated: 2024-11-13. Review status: criteria provided, single submitter. Criteria: ACMG Guidelines, 2015. Collection method: clinical testing. Allele origin: germline.

PreventionGenetics, part of Exact Sciences
Classification: Likely benign for SCRIB-related condition. Last evaluated: 2022-04-11. Review status: no assertion criteria provided. Collection method: clinical testing. Allele origin: germline. Not counted in ClinVar's aggregate classification.
Comment: This variant is classified as likely benign based on ACMG/AMP sequence variant interpretation guidelines (Richards et al. 2015 PMID: 25741868, with internal and published modifications).